The following is an entry in ClinVar:

NM_000143.4(FH):c.824G>A (p.Gly275Glu)

Gene: FH (fumarate hydratase; minus strand). Cytogenetic location: 1q43.
Variant type: single nucleotide variant.
Coding change: c.824G>A on transcript NM_000143.4 (MANE Select); coding-DNA position 824, G replaced by A.
Protein change: p.Gly275Glu; replaces glycine 275 with glutamic acid.
Molecular consequence: missense variant.
Genome position (GRCh38, 1-based): chr1:241,506,083, C>T on the plus strand (G>A on the coding strand, the complement: FH is on the minus strand). VCF-style: chr1-241506083-C-T. GRCh37 (hg19) VCF-style: chr1-241669383-C-T.
Other names: short protein forms G275E.
Identifiers: ClinVar variation 3278734 (VCV003278734.1).

ClinVar aggregate classification (germline): Likely pathogenic (1 of 4 stars; one submission).

Conditions:
Hereditary cancer-predisposing syndrome. Also called: Tumor predisposition; Hereditary Cancer Syndrome; Hereditary neoplastic syndrome; Neoplastic Syndromes, Hereditary. Identifiers: Orphanet 140162, MedGen C0027672, MeSH D009386, MONDO:0015356.

Submission:

Ambry Genetics
Classification: Likely pathogenic for Hereditary cancer-predisposing syndrome. Last evaluated: 2024-04-25. Review status: criteria provided, single submitter. Criteria: Ambry Variant Classification Scheme 2023. Collection method: clinical testing. Allele origin: germline.
Comment: The p.G275E variant (also known as c.824G>A), located in coding exon 6 of the FH gene, results from a G to A substitution at nucleotide position 824. The glycine at codon 275 is replaced by glutamic acid, an amino acid with similar properties. This variant has been observed in individuals with a personal and/or family history that is consistent with hereditary leiomyomatosis and renal cell cancer (Smit DL et al. Clin Genet, 2011 Jan;79:49-59; Ambry internal data). This amino acid position is highly conserved in available vertebrate species. In addition, this alteration is predicted to be deleterious by in silico analysis. This variant is considered to be rare based on population cohorts in the Genome Aggregation Database (gnomAD). Based on the majority of available evidence to date, this variant is likely to be pathogenic.

Literature cited by the submitters: PubMed 20618355.